The following is an entry in ClinVar:

NM_004900.5(APOBEC3B):c.325T>G (p.Ser109Ala)

Genes: APOBEC3A (apolipoprotein B mRNA editing enzyme catalytic subunit 3A; plus strand), APOBEC3B (apolipoprotein B mRNA editing enzyme catalytic subunit 3B; plus strand). Cytogenetic location: 22q13.1.
Variant type: single nucleotide variant.
Coding change: c.325T>G on transcript NM_004900.5 (MANE Select); coding-DNA position 325, T replaced by G.
Protein change: p.Ser109Ala; replaces serine 109 with alanine.
Molecular consequence: missense variant.
Genome position (GRCh38, 1-based): chr22:38,985,962, T>G. VCF-style: chr22-38985962-T-G. GRCh37 (hg19) VCF-style: chr22-39381967-T-G.
Other names: c.325T>G, p.Ser109Ala (NM_001270411.2); short protein forms S109A.
Identifiers: ClinVar variation 2653140 (VCV002653140.25), dbSNP rs17000697, ClinGen allele CA10237365.

ClinVar aggregate classification (germline): Benign/Likely benign. Review status: criteria provided, multiple submitters, no conflicts (2 of 4 stars). 2 submissions from 2 submitters: Benign (1); Likely benign (1). Last evaluated 2023-07-01.

Conditions:
APOBEC3B-related condition.

Allele frequency attached by ClinVar (database versions not stated): ESP Exome Variant Server 0.00246; 1000 Genomes Project 30x 0.00281; ExAC 0.00357; gnomAD 0.00466; gnomAD exomes 0.00528.
gnomAD v4.1: 8,324 of 1,599,074 alleles (0.52%); highest among the groups gnomAD compares: Non-Finnish European, 0.61%; 447 homozygotes.

Submissions (2):

CeGaT Center for Human Genetics Tuebingen
Classification: Likely benign. Last evaluated: 2023-07-01. Review status: criteria provided, single submitter. Criteria: CeGaT Center For Human Genetics Tuebingen Variant Classification Criteria Version 2. Collection method: clinical testing. Allele origin: germline. Affected: yes. Observed: 3 variant alleles.
Comment: APOBEC3A: BS2; APOBEC3B: PP2, BP4, BS2

Department of Pathology and Laboratory Medicine, Sinai Health System
Classification: Benign for APOBEC3B-related condition. Last evaluated: 2021-07-30. Review status: criteria provided, single submitter. Criteria: ACMG Guidelines, 2015. Collection method: research. Allele origin: germline.